The following is an entry in ClinVar:

NM_003803.4(MYOM1):c.4740C>T (p.Asp1580=)

Gene: MYOM1 (myomesin 1; minus strand). Cytogenetic location: 18p11.31.
Variant type: single nucleotide variant.
Coding change: c.4740C>T on transcript NM_003803.4 (MANE Select); coding-DNA position 4740, C replaced by T.
Protein change: p.Asp1580=; no amino-acid change (aspartic acid 1580 retained).
Molecular consequence: synonymous variant.
Genome position (GRCh38, 1-based): chr18:3,071,858, G>A on the plus strand (C>T on the coding strand, the complement: MYOM1 is on the minus strand). VCF-style: chr18-3071858-G-A. GRCh37 (hg19) VCF-style: chr18-3071856-G-A.
Other names: c.4452C>T, p.Asp1484= (NM_019856.2).
Identifiers: ClinVar variation 416044 (VCV000416044.18), dbSNP rs201979586, ClinGen allele CA8873788.

ClinVar aggregate classification (germline): Likely benign. Review status: criteria provided, multiple submitters, no conflicts (2 of 4 stars). 4 submissions from 4 submitters: Likely benign (3). 1 of the submissions does not count toward it. Last evaluated 2026-01-21.

Conditions:
Hypertrophic cardiomyopathy. Also called: HYPERTROPHIC MYOCARDIOPATHY. Identifiers: Orphanet 217569, MedGen C0007194, MeSH D002312, MONDO:0005045, HP:0001639.
MYOM1-related disorder.

Allele frequency attached by ClinVar (database versions not stated): ExAC 0.00022; 1000 Genomes Project 30x 0.00031; 1000 Genomes Project 0.00040; TOPMed 0.00057; gnomAD 0.00061; ESP Exome Variant Server 0.00072.
gnomAD v4.1: 203 of 1,604,970 alleles (0.013%); highest among the groups gnomAD compares: African/African-American, 0.17%; 1 homozygote.

Submissions (4):

Labcorp Genetics (formerly Invitae), Labcorp
Classification: Likely benign for Hypertrophic cardiomyopathy. Last evaluated: 2026-01-21. Review status: criteria provided, single submitter. Criteria: Invitae Variant Classification Sherloc (09022015). Collection method: clinical testing. Allele origin: germline.

Ambry Genetics
Classification: Likely benign. Last evaluated: 2022-03-03. Review status: criteria provided, single submitter. Criteria: Ambry Variant Classification Scheme 2023. Collection method: clinical testing. Allele origin: germline.

Breakthrough Genomics
Classification: Likely benign. Review status: criteria provided, single submitter. Criteria: ACMG Guidelines, 2015. Collection method: not provided. Allele origin: germline. Inheritance: Unknown mechanism. Affected: yes.

PreventionGenetics, part of Exact Sciences
Classification: Likely benign for MYOM1-related condition. Last evaluated: 2021-01-04. Review status: no assertion criteria provided. Collection method: clinical testing. Allele origin: germline. Not counted in ClinVar's aggregate classification.
Comment: This variant is classified as likely benign based on ACMG/AMP sequence variant interpretation guidelines (Richards et al. 2015 PMID: 25741868, with internal and published modifications).